The following is an entry in ClinVar:

NM_000092.5(COL4A4):c.490-1G>T

Gene: COL4A4 (collagen type IV alpha 4 chain; minus strand). Cytogenetic location: 2q36.3.
Variant type: single nucleotide variant.
Coding change: c.490-1G>T on transcript NM_000092.5 (MANE Select); the canonical splice acceptor site of the intron before coding-DNA position 490, G replaced by T.
Molecular consequence: splice acceptor variant.
Genome position (GRCh38, 1-based): chr2:227,114,697, C>A on the plus strand (G>T on the coding strand, the complement: COL4A4 is on the minus strand). VCF-style: chr2-227114697-C-A. GRCh37 (hg19) VCF-style: chr2-227979413-C-A.
Identifiers: ClinVar variation 2069239 (VCV002069239.4), dbSNP rs2475996480, ClinGen allele CA350861569.

ClinVar aggregate classification (germline): Likely pathogenic (1 of 4 stars; one submission).

Submission:

Labcorp Genetics (formerly Invitae), Labcorp
Classification: Likely pathogenic. Last evaluated: 2022-01-01. Review status: criteria provided, single submitter. Criteria: Invitae Variant Classification Sherloc (09022015). Collection method: clinical testing. Allele origin: germline.
Comment: In summary, the currently available evidence indicates that the variant is pathogenic, but additional data are needed to prove that conclusively. Therefore, this variant has been classified as Likely Pathogenic. Algorithms developed to predict the effect of sequence changes on RNA splicing suggest that this variant may disrupt the consensus splice site. This variant has not been reported in the literature in individuals affected with COL4A4-related conditions. This variant is not present in population databases (gnomAD no frequency). This sequence change affects an acceptor splice site in intron 7 of the COL4A4 gene. It is expected to disrupt RNA splicing. Variants that disrupt the donor or acceptor splice site typically lead to a loss of protein function (PMID: 16199547), and loss-of-function variants in COL4A4 are known to be pathogenic (PMID: 21196518, 24854265, 25307543).

Literature cited by the submitters: PubMed 16199547; PubMed 21196518; PubMed 24854265; PubMed 25307543.